The following is an entry in ClinVar:

ClinVar aggregate classification (germline): Uncertain significance (1 of 4 stars; one submission).

Conditions:
Combined immunodeficiency due to LRBA deficiency. Also called: Common variable immunodeficiency 8, with autoimmunity. Identifiers: Orphanet 445018, MedGen C3553512, MONDO:0013863, OMIM 614700.

Allele frequency attached by ClinVar (database versions not stated): gnomAD exomes below 0.00001; gnomAD 0.00001; TOPMed 0.00001.
gnomAD v4.1: 3 of 1,575,424 alleles (0.00019%); highest among the groups gnomAD compares: African/African-American, 0.0041%; no homozygotes.

Submission:

Labcorp Genetics (formerly Invitae), Labcorp
Classification: Uncertain significance for Combined immunodeficiency due to LRBA deficiency. Last evaluated: 2022-08-19. Review status: criteria provided, single submitter. Criteria: Invitae Variant Classification Sherloc (09022015). Collection method: clinical testing. Allele origin: germline.
Comment: In summary, the available evidence is currently insufficient to determine the role of this variant in disease. Therefore, it has been classified as a Variant of Uncertain Significance. Variants that disrupt the consensus splice site are a relatively common cause of aberrant splicing (PMID: 17576681, 9536098). Algorithms developed to predict the effect of sequence changes on RNA splicing suggest that this variant is not likely to affect RNA splicing. This variant has not been reported in the literature in individuals affected with LRBA-related conditions. This variant is not present in population databases (gnomAD no frequency). This sequence change falls in intron 16 of the LRBA gene. It does not directly change the encoded amino acid sequence of the LRBA protein. It affects a nucleotide within the consensus splice site.

Literature cited by the submitters: PubMed 17576681; PubMed 9536098.

NM_001364905.1(LRBA):c.2068-3T>C

Gene: LRBA (LPS responsive beige-like anchor protein; minus strand). Cytogenetic location: 4q31.3.
Variant type: single nucleotide variant.
Coding change: c.2068-3T>C on transcript NM_001364905.1 (MANE Select); 3 bases into the intron before coding-DNA position 2068, T replaced by C.
Molecular consequence: intron variant.
Genome position (GRCh38, 1-based): chr4:150,893,152, A>G on the plus strand (T>C on the coding strand, the complement: LRBA is on the minus strand). VCF-style: chr4-150893152-A-G. GRCh37 (hg19) VCF-style: chr4-151814304-A-G.
Other names: c.2068-3T>C (NM_001367550.1, NM_006726.5, NM_001199282.3 and 2 more transcripts).
Identifiers: ClinVar variation 2112510 (VCV002112510.4), dbSNP rs1729645852, ClinGen allele CA1069468078.
Genomic context (GRCh38, chr4:150,893,152, plus strand): 5'-TAGGGTGTTCTGACATTAATGCAACAAGCAGCTGTAGGACATCCATTAGATTGTCATCCT[A>G]TAATCATTTTAGAAATTTTTTTTAAAAAATGAGGAAAAAACAACTTAGTTGAATAATGAA-3'